The following is an entry in ClinVar:

ClinVar aggregate classification (germline): not provided (0 of 4 stars; one submission).

Conditions:
Sclerosteosis 1 (SOST1). Also called: CORTICAL HYPEROSTOSIS WITH SYNDACTYLY. Identifiers: Orphanet 3152, MedGen C4551483, MONDO:0010016, OMIM 269500.

Submission:

GeneReviews
No classification provided. Condition: Sclerosteosis 1. Review status: no classification provided. Collection method: literature only. Allele origin: germline.
Comment: Founder variant in Turkey [Piters et al 2010]

Literature cited by the submitters: PubMed 20583295.

NM_025237.3(SOST):c.499T>C (p.Cys167Arg)

Gene: SOST (sclerostin; minus strand). Cytogenetic location: 17q21.31.
Variant type: single nucleotide variant.
Coding change: c.499T>C on transcript NM_025237.3 (MANE Select); coding-DNA position 499, T replaced by C.
Protein change: p.Cys167Arg; replaces cysteine 167 with arginine.
Molecular consequence: missense variant.
Genome position (GRCh38, 1-based): chr17:43,755,485, A>G on the plus strand (T>C on the coding strand, the complement: SOST is on the minus strand). VCF-style: chr17-43755485-A-G. GRCh37 (hg19) VCF-style: chr17-41832853-A-G.
Other names: short protein forms C167R.
Identifiers: ClinVar variation 1676279 (VCV001676279.2), dbSNP rs2154590425, ClinGen allele CA399701605.